The following is an entry in ClinVar:

NM_002087.4(GRN):c.933+1G>A

Gene: GRN (granulin precursor; plus strand). Cytogenetic location: 17q21.31.
Variant type: single nucleotide variant.
Coding change: c.933+1G>A on transcript NM_002087.4 (MANE Select); the canonical splice donor site of the intron after coding-DNA position 933, G replaced by A.
Molecular consequence: splice donor variant.
Genome position (GRCh38, 1-based): chr17:44,351,461, G>A. VCF-style: chr17-44351461-G-A. GRCh37 (hg19) VCF-style: chr17-42428829-G-A.
Identifiers: ClinVar variation 98163 (VCV000098163.11), dbSNP rs63750707, ClinGen allele CA225297.

ClinVar aggregate classification (germline): Likely pathogenic. Review status: criteria provided, single submitter (1 of 4 stars). 2 submissions from 2 submitters: Likely pathogenic (1). 1 of the submissions does not count toward it. Last evaluated 2022-07-26.

Conditions:
GRN-related frontotemporal lobar degeneration with Tdp43 inclusions (FTD2). Also called: DEMENTIA, HEREDITARY DYSPHASIC DISINHIBITION; FRONTOTEMPORAL LOBAR DEGENERATION WITH UBIQUITIN-POSITIVE INCLUSIONS; FTLD-TDP, GRN-RELATED; FRONTOTEMPORAL DEMENTIA WITH TDP43 INCLUSIONS, GRN-RELATED; GRN Frontotemporal Dementia. Identifiers: Orphanet 100070, Orphanet 282, MedGen C1843792, MONDO:0011842, OMIM 607485. Disease mechanism: loss of function.
Neuronal ceroid lipofuscinosis 11. Also called: GRN-Related Neuronal Ceroid-Lipofuscinosis. Identifiers: Orphanet 314629, Orphanet 79262, MedGen C3539123, MONDO:0013866, OMIM 614706.

Allele frequency attached by ClinVar (database versions not stated): gnomAD exomes below 0.00001.
gnomAD v4.1: 5 of 1,516,128 alleles (0.00033%); highest among the groups gnomAD compares: Non-Finnish European, 0.00046%; no homozygotes.

Submissions (2):

Labcorp Genetics (formerly Invitae), Labcorp
Classification: Likely pathogenic for Neuronal ceroid lipofuscinosis 11; GRN-related frontotemporal lobar degeneration with Tdp43 inclusions. Last evaluated: 2022-07-26. Review status: criteria provided, single submitter. Criteria: Invitae Variant Classification Sherloc (09022015). Collection method: clinical testing. Allele origin: germline.
Comment: In summary, the currently available evidence indicates that the variant is pathogenic, but additional data are needed to prove that conclusively. Therefore, this variant has been classified as Likely Pathogenic. Algorithms developed to predict the effect of sequence changes on RNA splicing suggest that this variant may disrupt the consensus splice site. ClinVar contains an entry for this variant (Variation ID: 98163). Disruption of this splice site has been observed in individual(s) with frontotemporal dementia (PMID: 16862116). This variant is not present in population databases (gnomAD no frequency). This sequence change affects a donor splice site in intron 9 of the GRN gene. It is expected to disrupt RNA splicing. Variants that disrupt the donor or acceptor splice site typically lead to a loss of protein function (PMID: 16199547), and loss-of-function variants in GRN are known to be pathogenic (PMID: 16862116, 16950801, 22608501).

VIB  Department of Molecular Genetics, University of Antwerp
No classification provided. Review status: no classification provided. Collection method: not provided. Allele origin: unknown. Not counted in ClinVar's aggregate classification.

Literature cited by the submitters: PubMed 16862116 (cited by Labcorp Genetics (formerly Invitae), Labcorp); PubMed 16199547 (cited by Labcorp Genetics (formerly Invitae), Labcorp); PubMed 16950801 (cited by Labcorp Genetics (formerly Invitae), Labcorp); PubMed 22608501 (cited by Labcorp Genetics (formerly Invitae), Labcorp).